The following is an entry in ClinVar:

ClinVar aggregate classification (germline): Conflicting classifications of pathogenicity. Review status: criteria provided, conflicting classifications (1 of 4 stars). 2 submissions from 2 submitters: Likely pathogenic (1); Uncertain significance (1). Last evaluated 2023-05-01.

Conditions:
Anemia, nonspherocytic hemolytic, due to G6PD deficiency (CNSHA1). Also called: Class I glucose-6-phosphate dehydrogenase deficiency; ANEMIA, CONGENITAL, NONSPHEROCYTIC HEMOLYTIC, 1; Hemolytic anemia due to G6PD deficiency; Favism, susceptibility to. Identifiers: Orphanet 466026, MedGen C2720289, MONDO:0010480, OMIM 300908.

Submissions (2):

CeGaT Center for Human Genetics Tuebingen
Classification: Uncertain significance. Last evaluated: 2023-05-01. Review status: criteria provided, single submitter. Criteria: CeGaT Center For Human Genetics Tuebingen Variant Classification Criteria Version 2. Collection method: clinical testing. Allele origin: germline. Affected: yes. Observed: 1 variant allele.
Comment: G6PD: PM2, PP4, PS3:Supporting

Dunham Lab, University of Washington
Classification: Likely pathogenic for Anemia, nonspherocytic hemolytic, due to G6PD deficiency. Last evaluated: 2022-08-12. Review status: criteria provided, single submitter. Criteria: Bayesian ACMG Guidelines, 2018. Collection method: curation. Allele origin: unknown. Affected: yes.
Comment: Decreased activity in red blood cells of heterozygote (PS3). Not observed in gnomAD (PM2). Polyphen reports as probably damaging, SIFT as damaging (PP3). Post_P 0.975 (odds of pathogenicity 350.3, Prior_P 0.1).

Literature cited by the submitters: PubMed 34620237 (cited by Dunham Lab, University of Washington).

NM_001360016.2(G6PD):c.227C>A (p.Thr76Lys)

Gene: G6PD (glucose-6-phosphate dehydrogenase; minus strand). Cytogenetic location: Xq28.
Variant type: single nucleotide variant.
Coding change: c.227C>A on transcript NM_001360016.2 (MANE Select); coding-DNA position 227, C replaced by A.
Protein change: p.Thr76Lys; replaces threonine 76 with lysine.
Molecular consequence: missense variant.
Genome position (GRCh38, 1-based): chrX:154,535,977, G>T on the plus strand (C>A on the coding strand, the complement: G6PD is on the minus strand). VCF-style: chrX-154535977-G-T. GRCh37 (hg19) VCF-style: chrX-153764192-G-T.
Other names: c.317C>A, p.Thr106Lys (NM_000402.4); c.227C>A, p.Thr76Lys (NM_001042351.3); short protein forms T106K, T76K.
Identifiers: ClinVar variation 1722715 (VCV001722715.26), dbSNP rs2148331887, ClinGen allele CA415239714.